The following is an entry in ClinVar:

ClinVar aggregate classification (germline): Pathogenic/Likely pathogenic. Review status: criteria provided, multiple submitters, no conflicts (2 of 4 stars). 2 submissions from 2 submitters: Pathogenic (1); Likely pathogenic (1). Last evaluated 2025-08-03.

Conditions:
IMPG1-related disorder. Also called: IMPG1-related condition.

Allele frequency attached by ClinVar (database versions not stated): gnomAD exomes 0.00001; gnomAD 0.00002; TOPMed 0.00003.
gnomAD v4.1: 23 of 1,613,952 alleles (0.0014%); highest among the groups gnomAD compares: African/African-American, 0.0027%; no homozygotes.

Submissions (2):

Labcorp Genetics (formerly Invitae), Labcorp
Classification: Pathogenic. Last evaluated: 2025-08-03. Review status: criteria provided, single submitter. Criteria: Invitae Variant Classification Sherloc (09022015). Collection method: clinical testing. Allele origin: germline.
Comment: This sequence change creates a premature translational stop signal (p.Gly141*) in the IMPG1 gene. It is expected to result in an absent or disrupted protein product. Loss-of-function variants in IMPG1 are known to be pathogenic (PMID: 23993198). This variant is present in population databases (no rsID available, gnomAD 0.0009%). This variant has not been reported in the literature in individuals affected with IMPG1-related conditions. ClinVar contains an entry for this variant (Variation ID: 1950114). For these reasons, this variant has been classified as Pathogenic.

Blueprint Genetics
Classification: Likely pathogenic for IMPG1-related disorders. Last evaluated: 2022-09-02. Review status: criteria provided, single submitter. Criteria: ACMG Guidelines, 2015. Collection method: clinical testing. Allele origin: germline. Affected: yes. Observed: 2 variant alleles.

Literature cited by the submitters: PubMed 23993198 (cited by Labcorp Genetics (formerly Invitae), Labcorp).

NM_001563.4(IMPG1):c.421G>T (p.Gly141Ter)

Gene: IMPG1 (interphotoreceptor matrix proteoglycan 1; minus strand). Cytogenetic location: 6q14.1.
Variant type: single nucleotide variant.
Coding change: c.421G>T on transcript NM_001563.4 (MANE Select); coding-DNA position 421, G replaced by T.
Protein change: p.Gly141Ter; replaces glycine 141 with a stop codon.
Molecular consequence: nonsense.
Genome position (GRCh38, 1-based): chr6:76,034,668, C>A on the plus strand (G>T on the coding strand, the complement: IMPG1 is on the minus strand). VCF-style: chr6-76034668-C-A. GRCh37 (hg19) VCF-style: chr6-76744385-C-A.
Other names: c.187G>T, p.Gly63Ter (NM_001282368.2); short protein forms G141*, G63*.
Identifiers: ClinVar variation 1950114 (VCV001950114.6), dbSNP rs1242404608, ClinGen allele CA364780399.
Genomic context (GRCh38, chr6:76,034,668, plus strand): 5'-TGTTTAGGCTCACCTGCTGGAGAAGATCCAGGTGCTCCTGGGAATTGCTGAAGTTTTTTC[C>A]AATGTCAAAGAGGCAGAAGGTCTCCTGCTGGCAGATGCTGACCCAGTCCTGATATTCCCC-3'